The following is an entry in ClinVar:

ClinVar aggregate classification (germline): Uncertain significance (1 of 4 stars; one submission).

Conditions:
Nemaline myopathy 9 (NEM9). Identifiers: MedGen C3810384, MONDO:0014326, OMIM 615731.

Allele frequency attached by ClinVar (database versions not stated): TOPMed below 0.00001; ExAC 0.00001.
gnomAD v4.1: 6 of 1,613,854 alleles (0.00037%); highest among the groups gnomAD compares: Admixed American, 0.005%; no homozygotes.

Submission:

Labcorp Genetics (formerly Invitae), Labcorp
Classification: Uncertain significance for Nemaline myopathy 9. Last evaluated: 2022-03-22. Review status: criteria provided, single submitter. Criteria: Invitae Variant Classification Sherloc (09022015). Collection method: clinical testing. Allele origin: germline.
Comment: This sequence change replaces leucine, which is neutral and non-polar, with phenylalanine, which is neutral and non-polar, at codon 18 of the KLHL41 protein (p.Leu18Phe). This variant is present in population databases (rs762092269, gnomAD 0.006%). This variant has not been reported in the literature in individuals affected with KLHL41-related conditions. Algorithms developed to predict the effect of missense changes on protein structure and function are either unavailable or do not agree on the potential impact of this missense change (SIFT: "Deleterious"; PolyPhen-2: "Probably Damaging"; Align-GVGD: "Class C15"). In summary, the available evidence is currently insufficient to determine the role of this variant in disease. Therefore, it has been classified as a Variant of Uncertain Significance.

NM_006063.3(KLHL41):c.52C>T (p.Leu18Phe)

Gene: KLHL41 (kelch like family member 41; plus strand). Cytogenetic location: 2q31.1.
Variant type: single nucleotide variant.
Coding change: c.52C>T on transcript NM_006063.3 (MANE Select); coding-DNA position 52, C replaced by T.
Protein change: p.Leu18Phe; replaces leucine 18 with phenylalanine.
Molecular consequence: missense variant.
Genome position (GRCh38, 1-based): chr2:169,509,830, C>T. VCF-style: chr2-169509830-C-T. GRCh37 (hg19) VCF-style: chr2-170366340-C-T.
Other names: short protein forms L18F.
Identifiers: ClinVar variation 2146844 (VCV002146844.1), dbSNP rs762092269, ClinGen allele CA1956440.
Genomic context (GRCh38, chr2:169,509,830, plus strand): 5'-TCTCACAGAATGGATTCCCAGCGGGAACTTGCAGAGGAACTGCGGCTTTACCAATCCACC[C>T]TTCTTCAGGATGGTCTAAAAGATCTCCTGGATGAGAAAAAATTCATCGATTGCACCCTAA-3'
Protein context (NP_006054.2, residues 8-28): AEELRLYQST[Leu18Phe]LQDGLKDLLD